The following is an entry in ClinVar:

ClinVar aggregate classification (germline): Likely benign. Review status: criteria provided, multiple submitters, no conflicts (2 of 4 stars). 2 submissions from 2 submitters: Likely benign (2). Last evaluated 2018-06-16.

Allele frequency attached by ClinVar (database versions not stated): 1000 Genomes Project 30x 0.00671; 1000 Genomes Project 0.00719; TOPMed 0.01595; gnomAD 0.01678 and 0.01707; gnomAD exomes 0.02049.
gnomAD v4.1: 12,685 of 650,608 alleles (1.9%); highest among the groups gnomAD compares: Non-Finnish European, 2.9%; 194 homozygotes.

Submissions (2):

GeneDx
Classification: Likely benign. Last evaluated: 2018-06-16. Review status: criteria provided, single submitter. Criteria: GeneDx Variant Classification (06012015). Collection method: clinical testing. Allele origin: germline. Affected: yes.
Comment: This variant is considered likely benign or benign based on one or more of the following criteria: it is a conservative change, it occurs at a poorly conserved position in the protein, it is predicted to be benign by multiple in silico algorithms, and/or has population frequency not consistent with disease.

Breakthrough Genomics
Classification: Likely benign. Review status: criteria provided, single submitter. Criteria: ACMG Guidelines, 2015. Collection method: not provided. Allele origin: germline. Inheritance: Autosomal recessive inheritance. Affected: yes.

NM_001849.4(COL6A2):c.-27-108G>C

Gene: COL6A2 (collagen type VI alpha 2 chain; plus strand). Cytogenetic location: 21q22.3.
Variant type: single nucleotide variant.
Coding change: c.-27-108G>C on transcript NM_001849.4 (MANE Select); 108 bases into the intron before 27 bases upstream of the start codon, G replaced by C.
Molecular consequence: intron variant.
Genome position (GRCh38, 1-based): chr21:46,111,342, G>C. VCF-style: chr21-46111342-G-C. GRCh37 (hg19) VCF-style: chr21-47531256-G-C.
Other names: c.-27-108G>C (NM_058175.3, NM_058174.3).
Identifiers: ClinVar variation 677612 (VCV000677612.2), dbSNP rs77745490, ClinGen allele CA321956972.